The following is an entry in ClinVar:

ClinVar aggregate classification (germline): Uncertain significance (1 of 4 stars; one submission).

Conditions:
X-linked progressive cerebellar ataxia. Also called: OPCA, X-LINKED; OLIVOPONTOCEREBELLAR ATROPHY, X-LINKED; Spinocerebellar ataxia, X-linked 1. Identifiers: Orphanet 1175, MedGen C0796205, MONDO:0010547, OMIM 302500.

gnomAD v4.1: 16 of 1,210,293 alleles (0.0013%); highest among the groups gnomAD compares: East Asian, 0.003%; no homozygotes.

Submission:

Juno Genomics, Hangzhou Juno Genomics, Inc
Classification: Uncertain significance for X-linked progressive cerebellar ataxia. Review status: criteria provided, single submitter. Criteria: ACMG Guidelines, 2015. Collection method: clinical testing. Allele origin: germline.
Comment: Absent from controls (or at extremely low frequency if recessive) in Genome Aggregation Database.;Multiple lines of computational evidence support a deleterious effect on the gene or gene product.

NM_001001344.3(ATP2B3):c.2732G>A (p.Arg911Gln)

Gene: ATP2B3 (ATPase plasma membrane Ca2+ transporting 3; plus strand). Cytogenetic location: Xq28.
Variant type: single nucleotide variant.
Coding change: c.2732G>A on transcript NM_001001344.3 (MANE Select); coding-DNA position 2732, G replaced by A.
Protein change: p.Arg911Gln; replaces arginine 911 with glutamine.
Molecular consequence: missense variant.
Genome position (GRCh38, 1-based): chrX:153,559,835, G>A. VCF-style: chrX-153559835-G-A. GRCh37 (hg19) VCF-style: chrX-152825293-G-A.
Other names: c.2732G>A, p.Arg911Gln (NM_001388360.1, NM_001388361.1, NM_001388362.1 and 1 more transcripts); c.2690G>A, p.Arg897Gln (NM_001410708.1); short protein forms R897Q, R911Q.
Identifiers: ClinVar variation 5019465 (VCV005019465.2).